The following is an entry in ClinVar:

NM_004519.4(KCNQ3):c.1568+4A>G

Gene: KCNQ3 (potassium voltage-gated channel subfamily Q member 3; minus strand). Cytogenetic location: 8q24.22.
Variant type: single nucleotide variant.
Coding change: c.1568+4A>G on transcript NM_004519.4 (MANE Select); 4 bases into the intron after coding-DNA position 1568, A replaced by G.
Molecular consequence: intron variant.
Genome position (GRCh38, 1-based): chr8:132,140,072, T>C on the plus strand (A>G on the coding strand, the complement: KCNQ3 is on the minus strand). VCF-style: chr8-132140072-T-C. GRCh37 (hg19) VCF-style: chr8-133152319-T-C.
Other names: c.1208+4A>G (NM_001204824.2).
Identifiers: ClinVar variation 2730328 (VCV002730328.3), dbSNP rs1825234786, ClinGen allele CA1820656641.

ClinVar aggregate classification (germline): Uncertain significance (1 of 4 stars; one submission).

Conditions:
Benign neonatal seizures. Also called: Benign familial neonatal seizures; Benign familial neonatal epilepsy; Convulsions benign familial neonatal dominant form; Autosomal dominant form of benign neonatal seizures; Benign neonatal familial convulsions. Identifiers: Orphanet 1949, MedGen C0220669, MONDO:0016027.

Allele frequency attached by ClinVar (database versions not stated): gnomAD exomes below 0.00001; TOPMed below 0.00001.
gnomAD v4.1: 1 of 1,586,616 alleles (0.000063%); highest among the groups gnomAD compares: Non-Finnish European, 0.000086%; no homozygotes.

Submission:

Labcorp Genetics (formerly Invitae), Labcorp
Classification: Uncertain significance for Benign neonatal seizures. Last evaluated: 2023-08-07. Review status: criteria provided, single submitter. Criteria: Invitae Variant Classification Sherloc (09022015). Collection method: clinical testing. Allele origin: germline.
Comment: This sequence change falls in intron 11 of the KCNQ3 gene. It does not directly change the encoded amino acid sequence of the KCNQ3 protein. It affects a nucleotide within the consensus splice site. This variant is not present in population databases (gnomAD no frequency). This variant has not been reported in the literature in individuals affected with KCNQ3-related conditions. Variants that disrupt the consensus splice site are a relatively common cause of aberrant splicing (PMID: 17576681, 9536098). Algorithms developed to predict the effect of sequence changes on RNA splicing suggest that this variant is not likely to affect RNA splicing. In summary, the available evidence is currently insufficient to determine the role of this variant in disease. Therefore, it has been classified as a Variant of Uncertain Significance.

Literature cited by the submitters: PubMed 17576681; PubMed 9536098.